The following is an entry in ClinVar:

ClinVar aggregate classification (germline): Uncertain significance (1 of 4 stars; one submission).

Allele frequency attached by ClinVar (database versions not stated): gnomAD 0.00001; TOPMed 0.00001; gnomAD exomes 0.00002.
gnomAD v4.1: 25 of 1,607,254 alleles (0.0016%); highest among the groups gnomAD compares: Non-Finnish European, 0.0021%; no homozygotes.

Submission:

Labcorp Genetics (formerly Invitae), Labcorp
Classification: Uncertain significance. Last evaluated: 2023-08-04. Review status: criteria provided, single submitter. Criteria: Invitae Variant Classification Sherloc (09022015). Collection method: clinical testing. Allele origin: germline.
Comment: This sequence change replaces isoleucine, which is neutral and non-polar, with valine, which is neutral and non-polar, at codon 1081 of the TAOK2 protein (p.Ile1081Val). This variant is not present in population databases (gnomAD no frequency). This variant has not been reported in the literature in individuals affected with TAOK2-related conditions. ClinVar contains an entry for this variant (Variation ID: 1364946). An algorithm developed to predict the effect of missense changes on protein structure and function (PolyPhen-2) suggests that this variant is likely to be tolerated. In summary, the available evidence is currently insufficient to determine the role of this variant in disease. Therefore, it has been classified as a Variant of Uncertain Significance.

NM_016151.4(TAOK2):c.3241A>G (p.Ile1081Val)

Gene: TAOK2 (TAO kinase 2; plus strand). Cytogenetic location: 16p11.2.
Variant type: single nucleotide variant.
Coding change: c.3241A>G on transcript NM_016151.4 (MANE Select); coding-DNA position 3241, A replaced by G.
Protein change: p.Ile1081Val; replaces isoleucine 1081 with valine.
Molecular consequence: missense variant. On other transcripts: intron variant (1).
Genome position (GRCh38, 1-based): chr16:29,987,513, A>G. VCF-style: chr16-29987513-A-G. GRCh37 (hg19) VCF-style: chr16-29998834-A-G.
Other names: c.2902A>G, p.Ile968Val (NM_001252043.2); c.2232+1009A>G (NM_004783.4); short protein forms I1081V, I968V.
Identifiers: ClinVar variation 1364946 (VCV001364946.6), dbSNP rs1567250822, ClinGen allele CA395499509.
Genomic context (GRCh38, chr16:29,987,513, plus strand): 5'-GTGGCTATGGCAGCGGGGGGCAGATGGGTGCGGCAGCAGGGCCCCCGGGTGCGCCGGGGC[A>G]TATCTCGACTCTGGTTGCGGGTTCTGCTGCGCCTGTCACCCATGGCCTTCCGGGCCCTGC-3'
Protein context (NP_057235.2, residues 1071-1091): RQQGPRVRRG[Ile1081Val]SRLWLRVLLR